The following is an entry in ClinVar:

NM_021074.5(NDUFV2):c.-5C>A

Genes: NDUFV2 (NADH:ubiquinone oxidoreductase core subunit V2; plus strand), LOC130062145 (ATAC-STARR-seq lymphoblastoid silent region 9277; plus strand). Cytogenetic location: 18p11.22.
Variant type: single nucleotide variant.
Coding change: c.-5C>A on transcript NM_021074.5 (MANE Select); 5 bases upstream of the start codon, C replaced by A.
Molecular consequence: 5 prime UTR variant.
Genome position (GRCh38, 1-based): chr18:9,102,739, C>A. VCF-style: chr18-9102739-C-A. GRCh37 (hg19) VCF-style: chr18-9102737-C-A.
Identifiers: ClinVar variation 378263 (VCV000378263.2), dbSNP rs546451006, ClinGen allele CA8887013.
Genomic context (GRCh38, chr18:9,102,739, plus strand): 5'-GCGCCCTGGGCGCGCTCGGGATTCTCGCCTGGCGCGGCTGGGGAAGGTGAACAGTGTGGC[C>A]CGCCATGTTCTTCTCCGCGGCGCTCCGGGCCCGGGCGGCTGGCCTCACCGCCCACTGGGT-3'

ClinVar aggregate classification (germline): Benign. Review status: criteria provided, multiple submitters, no conflicts (2 of 4 stars). 2 submissions from 2 submitters: Benign (2). Last evaluated 2015-05-18.

Allele frequency attached by ClinVar (database versions not stated): 1000 Genomes Project 0.00020; ExAC 0.00009; 1000 Genomes Project 30x 0.00016; gnomAD 0.00029; gnomAD exomes 0.00005; TOPMed 0.00031.
gnomAD v4.1: 81 of 1,586,446 alleles (0.0051%); highest among the groups gnomAD compares: African/African-American, 0.096%; no homozygotes.

Submissions (2):

GeneDx
Classification: Benign. Last evaluated: 2015-05-18. Review status: criteria provided, single submitter. Criteria: GeneDx Variant Classification (06012015). Collection method: clinical testing. Allele origin: germline. Affected: yes.
Comment: This variant is considered likely benign or benign based on one or more of the following criteria: it is a conservative change, it occurs at a poorly conserved position in the protein, it is predicted to be benign by multiple in silico algorithms, and/or has population frequency not consistent with disease.

Breakthrough Genomics
Classification: Benign. Review status: criteria provided, single submitter. Criteria: ACMG Guidelines, 2015. Collection method: not provided. Allele origin: germline. Inheritance: Autosomal recessive inheritance. Affected: yes.